The following is an entry in ClinVar:

ClinVar aggregate classification (germline): Likely benign (1 of 4 stars; one submission).

Allele frequency attached by ClinVar (database versions not stated): gnomAD exomes 0.00001.
gnomAD v4.1: 1 of 1,582,040 alleles (0.000063%); highest among the groups gnomAD compares: Non-Finnish European, 0.000086%; no homozygotes.

Submission:

Laboratory for Molecular Medicine, Mass General Brigham Personalized Medicine
Classification: Likely benign. Last evaluated: 2019-07-24. Review status: criteria provided, single submitter. Criteria: LMM Criteria. Collection method: clinical testing. Allele origin: germline. Observed: 1 variant allele.
Comment: The p.Phe1599Phe variant in COL11A2 is classified as likely benign because it does not alter an amino acid residue, it is not located within the splice consensus sequence, and splice prediction algorithms do not predict a newly created splice site. ACMG/AMP Criteria applied: BP4, BP7.

NM_080680.3(COL11A2):c.4797C>T (p.Phe1599=)

Gene: COL11A2 (collagen type XI alpha 2 chain; minus strand). Cytogenetic location: 6p21.32.
Variant type: single nucleotide variant.
Coding change: c.4797C>T on transcript NM_080680.3 (MANE Select); coding-DNA position 4797, C replaced by T.
Protein change: p.Phe1599=; no amino-acid change (phenylalanine 1599 retained).
Molecular consequence: synonymous variant.
Genome position (GRCh38, 1-based): chr6:33,164,918, G>A on the plus strand (C>T on the coding strand, the complement: COL11A2 is on the minus strand). VCF-style: chr6-33164918-G-A. GRCh37 (hg19) VCF-style: chr6-33132695-G-A.
Other names: c.4476C>T, p.Phe1492= (NM_080679.3); c.4539C>T, p.Phe1513= (NM_080681.3).
Identifiers: ClinVar variation 930118 (VCV000930118.4), dbSNP rs1455846667, ClinGen allele CA449867306.